The following is an entry in ClinVar:

NM_001134407.3(GRIN2A):c.82G>A (p.Glu28Lys)

Gene: GRIN2A (glutamate ionotropic receptor NMDA type subunit 2A; minus strand). Cytogenetic location: 16p13.2.
Variant type: single nucleotide variant.
Coding change: c.82G>A on transcript NM_001134407.3 (MANE Select); coding-DNA position 82, G replaced by A.
Protein change: p.Glu28Lys; replaces glutamic acid 28 with lysine.
Molecular consequence: missense variant.
Genome position (GRCh38, 1-based): chr16:10,180,330, C>T on the plus strand (G>A on the coding strand, the complement: GRIN2A is on the minus strand). VCF-style: chr16-10180330-C-T. GRCh37 (hg19) VCF-style: chr16-10274187-C-T.
Other names: c.82G>A, p.Glu28Lys (NM_000833.5, NM_001134408.2); short protein forms E28K.
Identifiers: ClinVar variation 3364473 (VCV003364473.1).

ClinVar aggregate classification (germline): Uncertain significance (1 of 4 stars; one submission).

Submission:

GeneDx
Classification: Uncertain significance. Last evaluated: 2023-11-20. Review status: criteria provided, single submitter. Criteria: GeneDx Variant Classification Process June 2021. Collection method: clinical testing. Allele origin: germline. Affected: yes.
Comment: Not observed at significant frequency in large population cohorts (gnomAD); In silico analysis supports that this missense variant does not alter protein structure/function; Has not been previously published as pathogenic or benign to our knowledge